The following is an entry in ClinVar:

NM_012330.4(KAT6B):c.3416G>A (p.Arg1139Lys)

Gene: KAT6B (lysine acetyltransferase 6B; plus strand). Cytogenetic location: 10q22.2.
Variant type: single nucleotide variant.
Coding change: c.3416G>A on transcript NM_012330.4 (MANE Select); coding-DNA position 3416, G replaced by A.
Protein change: p.Arg1139Lys; replaces arginine 1139 with lysine.
Molecular consequence: missense variant.
Genome position (GRCh38, 1-based): chr10:75,025,001, G>A. VCF-style: chr10-75025001-G-A. GRCh37 (hg19) VCF-style: chr10-76784759-G-A.
Other names: c.2867G>A, p.Arg956Lys (NM_001256468.2, NM_001370138.1); c.2540G>A, p.Arg847Lys (NM_001256469.2, NM_001370139.1, NM_001370140.1 and 2 more transcripts); c.2378G>A, p.Arg793Lys (NM_001370132.1); c.1727G>A, p.Arg576Lys (NM_001370133.1); c.1331G>A, p.Arg444Lys (NM_001370134.1); c.1073G>A, p.Arg358Lys (NM_001370135.1); c.3416G>A, p.Arg1139Lys (NM_001370136.1, NM_001370137.1); c.2351G>A, p.Arg784Lys (NM_001370143.1, NM_001370144.1); short protein forms R1139K, R358K, R444K, R576K, R784K, R793K, R847K, R956K.
Identifiers: ClinVar variation 1262111 (VCV001262111.42), dbSNP rs149295701, ClinGen allele CA5564829.

ClinVar aggregate classification (germline): Benign/Likely benign. Review status: criteria provided, multiple submitters, no conflicts (2 of 4 stars). 4 submissions from 4 submitters: Benign (2); Likely benign (2). Last evaluated 2025-10-18.

Conditions:
Genitopatellar syndrome (GTPTS). Also called: ABSENT PATELLAE, SCROTAL HYPOPLASIA, RENAL ANOMALIES, FACIAL DYSMORPHISM, AND MENTAL RETARDATION; Genitopatellar syndrome (GPS). Identifiers: Orphanet 85201, MedGen C1853566, MONDO:0011640, OMIM 606170.

Allele frequency attached by ClinVar (database versions not stated): gnomAD exomes 0.00004 and 0.00009; ExAC 0.00012; ESP Exome Variant Server 0.00015; gnomAD 0.00029 and 0.00030; TOPMed 0.00039; 1000 Genomes Project 30x 0.00109; 1000 Genomes Project 0.00140.
gnomAD v4.1: 106 of 1,614,208 alleles (0.0066%); highest among the groups gnomAD compares: African/African-American, 0.12%; no homozygotes.

Submissions (4):

Labcorp Genetics (formerly Invitae), Labcorp
Classification: Likely benign for Genitopatellar syndrome. Last evaluated: 2025-10-18. Review status: criteria provided, single submitter. Criteria: Invitae Variant Classification Sherloc (09022015). Collection method: clinical testing. Allele origin: germline.

CeGaT Center for Human Genetics Tuebingen
Classification: Benign. Last evaluated: 2022-04-01. Review status: criteria provided, single submitter. Criteria: CeGaT Center For Human Genetics Tuebingen Variant Classification Criteria Version 2. Collection method: clinical testing. Allele origin: germline. Affected: yes. Observed: 1 variant allele.
Comment: KAT6B: BS1, BS2

GeneDx
Classification: Benign. Last evaluated: 2020-09-28. Review status: criteria provided, single submitter. Criteria: GeneDx Variant Classification Process June 2021. Collection method: clinical testing. Allele origin: germline. Affected: yes.

Breakthrough Genomics
Classification: Likely benign. Review status: criteria provided, single submitter. Criteria: ACMG Guidelines, 2015. Collection method: not provided. Allele origin: germline. Inheritance: Autosomal dominant inheritance. Affected: yes.